The following is an entry in ClinVar:

NM_015205.3(ATP11A):c.2292A>C (p.Ala764=)

Gene: ATP11A (ATPase phospholipid transporting 11A; plus strand). Cytogenetic location: 13q34.
Variant type: single nucleotide variant.
Coding change: c.2292A>C on transcript NM_015205.3 (MANE Select); coding-DNA position 2292, A replaced by C.
Protein change: p.Ala764=; no amino-acid change (alanine 764 retained).
Molecular consequence: synonymous variant.
Genome position (GRCh38, 1-based): chr13:112,855,959, A>C. VCF-style: chr13-112855959-A-C. GRCh37 (hg19) VCF-style: chr13-113510273-A-C.
Other names: c.2292A>C, p.Ala764= (NM_001405661.1, NM_001405662.1, NM_001405663.1 and 1 more transcripts).
Identifiers: ClinVar variation 3257044 (VCV003257044.17).

ClinVar aggregate classification (germline): Likely benign (1 of 4 stars; one submission).

gnomAD v4.1: 941 of 1,614,220 alleles (0.058%); highest among the groups gnomAD compares: South Asian, 0.97%; 10 homozygotes.

Submission:

CeGaT Center for Human Genetics Tuebingen
Classification: Likely benign. Last evaluated: 2024-07-01. Review status: criteria provided, single submitter. Criteria: CeGaT Center For Human Genetics Tuebingen Variant Classification Criteria Version 2. Collection method: clinical testing. Allele origin: germline. Affected: yes. Observed: 1 variant allele.
Comment: ATP11A: BP4, BP7, BS2